The following is an entry in ClinVar:

ClinVar aggregate classification (germline): Uncertain significance (1 of 4 stars; one submission).

Allele frequency attached by ClinVar (database versions not stated): gnomAD exomes 0.00003; ExAC 0.00004; ESP Exome Variant Server 0.00008; gnomAD 0.00008 and 0.00009.
gnomAD v4.1: 101 of 1,613,900 alleles (0.0063%); highest among the groups gnomAD compares: Middle Eastern, 0.016%; no homozygotes.

Submission:

Labcorp Genetics (formerly Invitae), Labcorp
Classification: Uncertain significance. Last evaluated: 2023-08-17. Review status: criteria provided, single submitter. Criteria: Invitae Variant Classification Sherloc (09022015). Collection method: clinical testing. Allele origin: germline.
Comment: This variant has not been reported in the literature in individuals affected with SEMA4A-related conditions. In summary, the available evidence is currently insufficient to determine the role of this variant in disease. Therefore, it has been classified as a Variant of Uncertain Significance. Advanced modeling of protein sequence and biophysical properties (such as structural, functional, and spatial information, amino acid conservation, physicochemical variation, residue mobility, and thermodynamic stability) performed at Invitae indicates that this missense variant is not expected to disrupt SEMA4A protein function. ClinVar contains an entry for this variant (Variation ID: 1517922). This variant is present in population databases (rs143382589, gnomAD 0.006%). This sequence change replaces proline, which is neutral and non-polar, with leucine, which is neutral and non-polar, at codon 102 of the SEMA4A protein (p.Pro102Leu).

NM_022367.4(SEMA4A):c.305C>T (p.Pro102Leu)

Gene: SEMA4A (semaphorin 4A; plus strand). Cytogenetic location: 1q22.
Variant type: single nucleotide variant.
Coding change: c.305C>T on transcript NM_022367.4 (MANE Select); coding-DNA position 305, C replaced by T.
Protein change: p.Pro102Leu; replaces proline 102 with leucine.
Molecular consequence: missense variant. On other transcripts: 5 prime UTR variant (2).
Genome position (GRCh38, 1-based): chr1:156,158,074, C>T. VCF-style: chr1-156158074-C-T. GRCh37 (hg19) VCF-style: chr1-156127865-C-T.
Other names: c.305C>T, p.Pro102Leu (NM_001193300.2, NM_001193301.2, NM_001370567.1); c.8C>T, p.Pro3Leu (NM_001193302.2, NM_001370568.1); c.-220C>T (NM_001370569.1, NM_001370571.1); short protein forms P102L, P3L.
Identifiers: ClinVar variation 1517922 (VCV001517922.8), dbSNP rs143382589, ClinGen allele CA1154995.